The following is an entry in ClinVar:

ClinVar aggregate classification (germline): Uncertain significance (1 of 4 stars; one submission).

Conditions:
Intellectual disability, autosomal recessive 53 (NEDHSCA). Also called: GLYCOSYLPHOSPHATIDYLINOSITOL BIOSYNTHESIS DEFECT 13; Mental retardation, autosomal recessive 53; NEURODEVELOPMENTAL DISORDER WITH OR WITHOUT HYPOTONIA, SEIZURES, AND CEREBELLAR ATROPHY. Identifiers: Orphanet 488635, MedGen C4310794, MONDO:0014832, OMIM 616917.

Allele frequency attached by ClinVar (database versions not stated): gnomAD exomes below 0.00001; gnomAD 0.00001; TOPMed 0.00001.
gnomAD v4.1: 4 of 1,613,848 alleles (0.00025%); highest among the groups gnomAD compares: Non-Finnish European, 0.00034%; no homozygotes.

Submission:

Labcorp Genetics (formerly Invitae), Labcorp
Classification: Uncertain significance for Intellectual disability, autosomal recessive 53. Last evaluated: 2020-01-27. Review status: criteria provided, single submitter. Criteria: Invitae Variant Classification Sherloc (09022015). Collection method: clinical testing. Allele origin: germline.
Comment: In summary, the available evidence is currently insufficient to determine the role of this variant in disease. Therefore, it has been classified as a Variant of Uncertain Significance. Algorithms developed to predict the effect of missense changes on protein structure and function (SIFT, PolyPhen-2, Align-GVGD) all suggest that this variant is likely to be tolerated, but these predictions have not been confirmed by published functional studies and their clinical significance is uncertain. This variant has not been reported in the literature in individuals with PIGG-related conditions. This variant is not present in population databases (ExAC no frequency). This sequence change replaces arginine with glycine at codon 255 of the PIGG protein (p.Arg255Gly). The arginine residue is weakly conserved and there is a moderate physicochemical difference between arginine and glycine.

NM_001127178.3(PIGG):c.763A>G (p.Arg255Gly)

Gene: PIGG (phosphatidylinositol glycan anchor biosynthesis class G (EMM blood group); plus strand). Cytogenetic location: 4p16.3.
Variant type: single nucleotide variant.
Coding change: c.763A>G on transcript NM_001127178.3 (MANE Select); coding-DNA position 763, A replaced by G.
Protein change: p.Arg255Gly; replaces arginine 255 with glycine.
Molecular consequence: missense variant. On other transcripts: 5 prime UTR variant (3), non-coding transcript variant (10), intron variant (1).
Genome position (GRCh38, 1-based): chr4:508,832, A>G. VCF-style: chr4-508832-A-G. GRCh37 (hg19) VCF-style: chr4-502621-A-G.
Other names: c.496A>G, p.Arg166Gly (NM_001289051.2, NM_001289053.2, NM_001289057.2 and 2 more transcripts); c.364A>G, p.Arg122Gly (NM_001289052.2); c.397A>G, p.Arg133Gly (NM_001289055.2); c.763A>G, p.Arg255Gly (NM_001345989.2, NM_017733.5); c.-863A>G (NM_001345990.2); c.-725A>G (NM_001345991.2); c.-450A>G (NM_001345994.2); c.-129+1239A>G (NM_001345988.2); short protein forms R122G, R133G, R166G, R255G.
Identifiers: ClinVar variation 1040932 (VCV001040932.11), dbSNP rs1359112430, ClinGen allele CA355899740.
Genomic context (GRCh38, chr4:508,832, plus strand): 5'-GATGATGTGCTCTCTTCAGTCTGAACGCAGTTGAAATGTTTTTCCTTTGCCTTAAAGGAG[A>G]GAGAGACGCCTTTACCCAATTTGCTGGTTCTTTGTGGTGACCATGGCATGTCTGAAACAG-3'
Protein context (NP_001120650.1, residues 245-265): KIHTSLQSKE[Arg255Gly]ETPLPNLLVL